The following is an entry in ClinVar:

NM_015450.3(POT1):c.1065_1067delinsGG (p.Ala356fs)

Gene: POT1 (protection of telomeres 1; minus strand). Cytogenetic location: 7q31.33.
Variant type: Indel.
Coding change: c.1065_1067delinsGG on transcript NM_015450.3 (MANE Select); coding-DNA positions 1065 to 1067, AGC replaced by GG.
Protein change: p.Ala356fs; shifts the reading frame from alanine 356.
Molecular consequence: frameshift variant. On other transcripts: non-coding transcript variant (3).
Genome position (GRCh38, 1-based): chr7:124,842,903-124,842,905, GCT replaced by CC on the plus strand (AGC replaced by GG on the coding strand, the reverse complement: POT1 is on the minus strand). VCF-style: chr7-124842903-GCT-CC. GRCh37 (hg19) VCF-style: chr7-124482957-GCT-CC.
Other names: c.672_674delinsGG, p.Ala225fs (NM_001042594.2); short protein forms A225fs, A356fs.
Identifiers: ClinVar variation 1781340 (VCV001781340.2), dbSNP rs2485402330, ClinGen allele CA2580076466.

ClinVar aggregate classification (germline): Pathogenic (1 of 4 stars; one submission).

Conditions:
Hereditary cancer-predisposing syndrome. Also called: Neoplastic Syndromes, Hereditary; Tumor predisposition; Hereditary Cancer Syndrome; Hereditary neoplastic syndrome. Identifiers: Orphanet 140162, MedGen C0027672, MeSH D009386, MONDO:0015356.

Submission:

Ambry Genetics
Classification: Pathogenic for Hereditary cancer-predisposing syndrome. Last evaluated: 2022-03-02. Review status: criteria provided, single submitter. Criteria: Ambry Variant Classification Scheme 2023. Collection method: clinical testing. Allele origin: germline.
Comment: The c.1065_1067delAGCinsGG pathogenic mutation, located in coding exon 9 of the POT1 gene, results from the deletion of 3 nucleotides and insertion of two nucleotides causing a translational frameshift with a predicted alternate stop codon (p.A356Vfs*11). This variant is considered to be rare based on population cohorts in the Genome Aggregation Database (gnomAD). This alteration is expected to result in loss of function by premature protein truncation or nonsense-mediated mRNA decay. As such, this alteration is interpreted as a disease-causing mutation.